The following is an entry in ClinVar:

NM_000517.6(HBA2):c.97_109del (p.Met33fs)

Genes: HBA2 (hemoglobin subunit alpha 2; plus strand), LOC106804612 (hemoglobin subunit alpha 2 recombination region; plus strand). Cytogenetic location: 16p13.3.
Variant type: Deletion.
Coding change: c.97_109del on transcript NM_000517.6 (MANE Select); coding-DNA positions 97 to 109, 13 bases deleted (ATGTTCCTGTCCT).
Protein change: p.Met33fs; shifts the reading frame from methionine 33.
Molecular consequence: frameshift variant.
Genome position (GRCh38, 1-based): chr16:173,126-173,138, ATGTTCCTGTCCT deleted. VCF-style (leftmost placement, unchanged base first): chr16-173125-GATGTTCCTGTCCT-G. GRCh37 (hg19) VCF-style: chr16-223124-GATGTTCCTGTCCT-G.
Other names: short protein forms M33fs.
Identifiers: ClinVar variation 4818699 (VCV004818699.1).

ClinVar aggregate classification (germline): Likely pathogenic (1 of 4 stars; one submission).

Conditions:
alpha Thalassemia. Also called: Alpha thalassemia spectrum. Identifiers: Orphanet 846, MedGen C0002312, MONDO:0011399, OMIM 604131.

Submission:

Natera, Inc.
Classification: Likely pathogenic for Alpha thalassemia. Last evaluated: 2025-12-16. Review status: criteria provided, single submitter. Criteria: Natera Variant Classification Schema (03/2026). Collection method: clinical testing. Allele origin: germline.
Comment: The c.97_109del variant in HBA2 is a frameshift variant predicted to shift the reading frame beginning at codon 33 and leads to a stop codon 13 codons downstream. This variant is expected to result in nonsense mediated decay, truncation, or a dysfunctional protein product. This variant is rare in the general population with a frequency below the threshold expected for the associated phenotype(s). Given the available evidence, this variant is classified as Likely Pathogenic.